The following is an entry in ClinVar:

NC_000016.9:g.(?_53692306)_(53698941_?)del

Gene: RPGRIP1L (RPGRIP1 like; minus strand). Cytogenetic location: 16q12.2.
Variant type: Deletion.
Identifiers: ClinVar variation 2426115 (VCV002426115.3).

ClinVar aggregate classification (germline): Pathogenic (1 of 4 stars; one submission).

Conditions:
Joubert syndrome. Also called: CEREBELLOPARENCHYMAL DISORDER IV; JOUBERT-BOLTSHAUSER SYNDROME; Familial aplasia of the vermis. Identifiers: Orphanet 475, MedGen C5979921, MONDO:0018772.
Meckel-Gruber syndrome. Also called: DYSENCEPHALIA SPLANCHNOCYSTICA; GRUBER SYNDROME; Dysencephalia splachnocystica. Identifiers: Orphanet 564, MedGen C0265215, MONDO:0018921.

Submission:

Labcorp Genetics (formerly Invitae), Labcorp
Classification: Pathogenic for Joubert syndrome; Meckel-Gruber syndrome. Last evaluated: 2023-07-17. Review status: criteria provided, single submitter. Criteria: Invitae Variant Classification Sherloc (09022015). Collection method: clinical testing. Allele origin: germline.
Comment: This variant is a gross deletion of the genomic region encompassing exon(s) 10-12 of the RPGRIP1L gene. This deletion is out-of-frame, and is expected to create a premature termination codon and result in an absent or disrupted protein product. Loss-of-function variants in RPGRIP1L are known to be pathogenic (PMID: 17558409). This variant has not been reported in the literature in individuals affected with RPGRIP1L-related conditions. For these reasons, this variant has been classified as Pathogenic.

Literature cited by the submitters: PubMed 17558409.